The following is an entry in ClinVar:

ClinVar aggregate classification (germline): Uncertain significance (1 of 4 stars; one submission).

Conditions:
Hereditary cancer-predisposing syndrome. Also called: Tumor predisposition; Hereditary Cancer Syndrome; Hereditary neoplastic syndrome; Neoplastic Syndromes, Hereditary. Identifiers: Orphanet 140162, MedGen C0027672, MeSH D009386, MONDO:0015356.

Submission:

Ambry Genetics
Classification: Uncertain significance for Hereditary cancer-predisposing syndrome. Last evaluated: 2024-05-11. Review status: criteria provided, single submitter. Criteria: Ambry Variant Classification Scheme 2023. Collection method: clinical testing. Allele origin: germline.
Comment: The p.D1009G variant (also known as c.3026A>G), located in coding exon 18 of the ALK gene, results from an A to G substitution at nucleotide position 3026. The aspartic acid at codon 1009 is replaced by glycine, an amino acid with similar properties. This amino acid position is conserved. In addition, the in silico prediction for this alteration is inconclusive. Based on the available evidence, the clinical significance of this variant remains unclear.

NM_004304.5(ALK):c.3026A>G (p.Asp1009Gly)

Gene: ALK (ALK receptor tyrosine kinase; minus strand). Cytogenetic location: 2p23.2.
Variant type: single nucleotide variant.
Coding change: c.3026A>G on transcript NM_004304.5 (MANE Select); coding-DNA position 3026, A replaced by G.
Protein change: p.Asp1009Gly; replaces aspartic acid 1009 with glycine.
Molecular consequence: missense variant.
Genome position (GRCh38, 1-based): chr2:29,226,963, T>C on the plus strand (A>G on the coding strand, the complement: ALK is on the minus strand). VCF-style: chr2-29226963-T-C. GRCh37 (hg19) VCF-style: chr2-29449829-T-C.
Other names: short protein forms D1009G.
Identifiers: ClinVar variation 3284507 (VCV003284507.1).